The following is an entry in ClinVar:

ClinVar aggregate classification (germline): Uncertain significance (1 of 4 stars; one submission).

Submission:

GeneDx
Classification: Uncertain significance. Last evaluated: 2022-05-24. Review status: criteria provided, single submitter. Criteria: GeneDx Variant Classification Process June 2021. Collection method: clinical testing. Allele origin: germline. Affected: yes.
Comment: Not observed at significant frequency in large population cohorts (gnomAD); In silico analysis supports that this missense variant has a deleterious effect on protein structure/function; Has not been previously published as pathogenic or benign to our knowledge

NM_052867.4(NALCN):c.4193G>C (p.Cys1398Ser)

Gene: NALCN (sodium leak channel, non-selective; minus strand). Cytogenetic location: 13q32.3.
Variant type: single nucleotide variant.
Coding change: c.4193G>C on transcript NM_052867.4 (MANE Select); coding-DNA position 4193, G replaced by C.
Protein change: p.Cys1398Ser; replaces cysteine 1398 with serine.
Molecular consequence: missense variant.
Genome position (GRCh38, 1-based): chr13:101,073,588, C>G on the plus strand (G>C on the coding strand, the complement: NALCN is on the minus strand). VCF-style: chr13-101073588-C-G. GRCh37 (hg19) VCF-style: chr13-101725940-C-G.
Other names: c.4106G>C, p.Cys1369Ser (NM_001350751.2, NM_001350750.2); c.4280G>C, p.Cys1427Ser (NM_001350748.2); c.4193G>C, p.Cys1398Ser (NM_001350749.2); short protein forms C1369S, C1398S, C1427S.
Identifiers: ClinVar variation 1691607 (VCV001691607.3), dbSNP rs2139465631, ClinGen allele CA388649033.